The following is an entry in ClinVar:

ClinVar aggregate classification (germline): Uncertain significance (1 of 4 stars; one submission).

gnomAD v4.1: 1 of 1,613,954 alleles (0.000062%); highest among the groups gnomAD compares: African/African-American, 0.0013%; no homozygotes.

Submission:

GeneDx
Classification: Uncertain significance. Last evaluated: 2024-05-08. Review status: criteria provided, single submitter. Criteria: GeneDx Variant Classification Process June 2021. Collection method: clinical testing. Allele origin: germline. Affected: yes.
Comment: Not observed at significant frequency in large population cohorts (gnomAD); In silico analysis supports that this missense variant has a deleterious effect on protein structure/function; Has not been previously published as pathogenic or benign to our knowledge

NM_000550.3(TYRP1):c.74A>C (p.Gln25Pro)

Gene: TYRP1 (tyrosinase related protein 1; plus strand). Cytogenetic location: 9p23.
Variant type: single nucleotide variant.
Coding change: c.74A>C on transcript NM_000550.3 (MANE Select); coding-DNA position 74, A replaced by C.
Protein change: p.Gln25Pro; replaces glutamine 25 with proline.
Molecular consequence: missense variant.
Genome position (GRCh38, 1-based): chr9:12,694,070, A>C. VCF-style: chr9-12694070-A-C. GRCh37 (hg19) VCF-style: chr9-12694070-A-C.
Other names: short protein forms Q25P.
Identifiers: ClinVar variation 3375509 (VCV003375509.1).